The following is an entry in ClinVar:

NM_017934.7(PHIP):c.293A>G (p.Gln98Arg)

Gene: PHIP (PHIP subunit of CUL4-Ring ligase complex; minus strand). Cytogenetic location: 6q14.1.
Variant type: single nucleotide variant.
Coding change: c.293A>G on transcript NM_017934.7 (MANE Select); coding-DNA position 293, A replaced by G.
Protein change: p.Gln98Arg; replaces glutamine 98 with arginine.
Molecular consequence: missense variant.
Genome position (GRCh38, 1-based): chr6:79,060,715, T>C on the plus strand (A>G on the coding strand, the complement: PHIP is on the minus strand). VCF-style: chr6-79060715-T-C. GRCh37 (hg19) VCF-style: chr6-79770432-T-C.
Other names: short protein forms Q98R.
Identifiers: ClinVar variation 4075571 (VCV004075571.1).
Genomic context (GRCh38, chr6:79,060,715, plus strand): 5'-AAAATTTTCATACTTTTATTTGTGCGTAGTAAAGACTGTCTTCCAGCTCCTAATAAAGTT[T>C]GTACTCCAGGAACACTTTGAGGAATTTCTTGTTCAAGAAGAGGTCCTAGTCGATGACATA-3'
Protein context (NP_060404.4, residues 88-108): QEIPQSVPGV[Gln98Arg]TLLGAGRQSL

ClinVar aggregate classification (germline): Uncertain significance (1 of 4 stars; one submission).

Submission:

GeneDx
Classification: Uncertain significance. Last evaluated: 2025-02-18. Review status: criteria provided, single submitter. Criteria: GeneDx Variant Classification Process June 2021. Collection method: clinical testing. Allele origin: germline. Affected: yes.
Comment: Not observed at significant frequency in large population cohorts (gnomAD); In silico analysis indicates that this missense variant does not alter protein structure/function; Has not been previously published as pathogenic or benign to our knowledge